The following is an entry in ClinVar:

ClinVar aggregate classification (germline): Uncertain significance (1 of 4 stars; one submission).

Conditions:
Multiple acyl-CoA dehydrogenase deficiency (MADD). Also called: Glutaric aciduria, type 2; Glutaric acidemia type II; GA 2; Glutaric Acidemia type 2; ETHYLMALONIC-ADIPICACIDURIA; GA II. Identifiers: Orphanet 26791, MedGen C0268596, MONDO:0009282, OMIM 231680.

Submission:

Labcorp Genetics (formerly Invitae), Labcorp
Classification: Uncertain significance for Multiple acyl-CoA dehydrogenase deficiency. Last evaluated: 2025-06-03. Review status: criteria provided, single submitter. Criteria: Invitae Variant Classification Sherloc (09022015). Collection method: clinical testing. Allele origin: germline.
Comment: This sequence change replaces serine, which is neutral and polar, with arginine, which is basic and polar, at codon 210 of the ETFDH protein (p.Ser210Arg). This variant is not present in population databases (gnomAD no frequency). This variant has not been reported in the literature in individuals affected with ETFDH-related conditions. Invitae Evidence Modeling of protein sequence and biophysical properties (such as structural, functional, and spatial information, amino acid conservation, physicochemical variation, residue mobility, and thermodynamic stability) indicates that this missense variant is not expected to disrupt ETFDH protein function with a negative predictive value of 80%. In summary, the available evidence is currently insufficient to determine the role of this variant in disease. Therefore, it has been classified as a Variant of Uncertain Significance.

NM_004453.4(ETFDH):c.630T>G (p.Ser210Arg)

Gene: ETFDH (electron transfer flavoprotein dehydrogenase; plus strand). Cytogenetic location: 4q32.1.
Variant type: single nucleotide variant.
Coding change: c.630T>G on transcript NM_004453.4 (MANE Select); coding-DNA position 630, T replaced by G.
Protein change: p.Ser210Arg; replaces serine 210 with arginine.
Molecular consequence: missense variant.
Genome position (GRCh38, 1-based): chr4:158,690,371, T>G. VCF-style: chr4-158690371-T-G. GRCh37 (hg19) VCF-style: chr4-159611523-T-G.
Other names: c.489T>G, p.Ser163Arg (NM_001281737.2); c.447T>G, p.Ser149Arg (NM_001281738.1); short protein forms S149R, S163R, S210R.
Identifiers: ClinVar variation 4698766 (VCV004698766.1).
Genomic context (GRCh38, chr4:158,690,371, plus strand): 5'-CTAAGGTATTAATAAATTTGTTTTTTATCATTTTTAGGTCCTTTTTCATGATGATGGTAG[T>G]GTAAAAGGAATTGCCACTAACGATGTAGGGATACAAAAGGATGGTGCACCAAAGGTAAAC-3'
Protein context (NP_004444.2, residues 200-220): AAEVLFHDDG[Ser210Arg]VKGIATNDVG